The following is an entry in ClinVar:

ClinVar aggregate classification (germline): Benign/Likely benign. Review status: criteria provided, multiple submitters, no conflicts (2 of 4 stars). 5 submissions from 5 submitters: Benign (3); Likely benign (2). Last evaluated 2026-02-02.

Conditions:
PRDM12-related disorder. Also called: PRDM12-related condition.
Congenital insensitivity to pain-hypohidrosis syndrome. Also called: Neuropathy, hereditary sensory and autonomic, type VIII; HSAN VIII. Identifiers: Orphanet 478664, MedGen C4225308, MONDO:0014662, OMIM 616488.

Submissions (5):

Labcorp Genetics (formerly Invitae), Labcorp
Classification: Benign for Congenital insensitivity to pain-hypohidrosis syndrome. Last evaluated: 2026-02-02. Review status: criteria provided, single submitter. Criteria: Invitae Variant Classification Sherloc (09022015). Collection method: clinical testing. Allele origin: germline.

PreventionGenetics, part of Exact Sciences
Classification: Benign for PRDM12-related condition. Last evaluated: 2025-02-25. Review status: criteria provided, single submitter. Criteria: ACMG Guidelines, 2015. Collection method: clinical testing. Allele origin: germline.
Comment: This variant is classified as benign based on ACMG/AMP sequence variant interpretation guidelines (Richards et al. 2015 PMID: 25741868, with internal and published modifications).

Laboratory of Genetics, Children's Clinical University Hospital Latvia
Classification: Likely benign. Last evaluated: 2025-02-16. Review status: criteria provided, single submitter. Criteria: ACMG Guidelines, 2015. Collection method: clinical testing. Allele origin: germline. Affected: yes.

Mayo Clinic Laboratories, Mayo Clinic
Classification: Benign. Last evaluated: 2023-11-07. Review status: criteria provided, single submitter. Criteria: ACMG Guidelines, 2015. Collection method: clinical testing. Allele origin: germline. Observed: 20 variant alleles.
Comment: BA1, BS2

GeneDx
Classification: Likely benign. Last evaluated: 2019-11-26. Review status: criteria provided, single submitter. Criteria: GeneDx Variant Classification Process June 2021. Collection method: clinical testing. Allele origin: germline. Affected: yes.

NM_021619.3(PRDM12):c.1041CGC[7] (p.Ala355_Ala359del)

Gene: PRDM12 (PR/SET domain 12; plus strand). Cytogenetic location: 9q34.12.
Variant type: Microsatellite.
Coding change: c.1041CGC[7] on transcript NM_021619.3 (MANE Select); seven copies in a row of the 3-base unit CGC starting at c.1041; the reference has 12 copies in a row; five copies, 15 bases deleted; also written c.1062_1076del.
Protein change: p.Ala355_Ala359del.
Molecular consequence: inframe deletion.
Genome position (GRCh38, 1-based): chr9:130,681,627-130,681,641, CGCCGCCGCCGCCGC deleted; deleting any 15 consecutive bases within chr9:130,681,606-130,681,641 gives the same sequence; the position shown is the placement nearest the transcript's 3' end. VCF-style (leftmost placement, unchanged base first): chr9-130681605-TCGCCGCCGCCGCCGC-T. GRCh37 (hg19) VCF-style: chr9-133556992-TCGCCGCCGCCGCCGC-T.
Other names: p.Ala355_Ala359del; c.1062_1076del (NM_021619.2, NM_021619.3); c.1062_1076del15 (NM_021619.2); c.1062_1076delCGCCGCCGCCGCCGC (NM_021619.2).
Identifiers: ClinVar variation 475808 (VCV000475808.21), dbSNP rs752427775, ClinGen allele CA467495897.